The following is an entry in ClinVar:

NM_001908.5(CTSB):c.447-356G>T

Gene: CTSB (cathepsin B). Cytogenetic location: 8p23.1.
Variant type: single nucleotide variant.
Coding change: c.447-356G>T on transcript NM_001908.5 (MANE Select); 356 bases into the intron before coding-DNA position 447, G replaced by T.
Molecular consequence: intron variant.
Genome position (GRCh38, 1-based): chr8:11,848,508, C>A on the plus strand (G>T on the coding strand, the complement: CTSB is on the minus strand). VCF-style: chr8-11848508-C-A. GRCh37 (hg19) VCF-style: chr8-11706017-C-A.
Other names: c.447-356G>T (NM_001384728.1, NM_147783.4, NM_147781.4 and 8 more transcripts); c.75-356G>T (NM_001317237.2).
Identifiers: ClinVar variation 3388224 (VCV003388224.14).
Genomic context (GRCh38, chr8:11,848,508, plus strand): 5'-TGATTCTCAACTGAGCAGACGCTAAACTTCCCTAAGGTACTTAAAAACACCACCAGTTCT[C>A]TGAAATGAGAATCGCCAGTGATTCCCATTTAACTAGTTAGGGGAGAAGCCCATGCATTTT-3'

ClinVar aggregate classification (germline): Likely benign (1 of 4 stars; one submission).

gnomAD v4.1: 765 of 387,154 alleles (0.2%); highest among the groups gnomAD compares: African/African-American, 1.5%; 2 homozygotes.

Submission:

CeGaT Center for Human Genetics Tuebingen
Classification: Likely benign. Last evaluated: 2024-10-01. Review status: criteria provided, single submitter. Criteria: CeGaT Center For Human Genetics Tuebingen Variant Classification Criteria Version 2. Collection method: clinical testing. Allele origin: germline. Affected: yes. Observed: 1 variant allele.
Comment: CTSB: BS1